The following is an entry in ClinVar:

NM_001042517.2(DIAPH3):c.273C>T (p.Pro91=)

Gene: DIAPH3 (diaphanous related formin 3; minus strand). Cytogenetic location: 13q21.2.
Variant type: single nucleotide variant.
Coding change: c.273C>T on transcript NM_001042517.2 (MANE Select); coding-DNA position 273, C replaced by T.
Protein change: p.Pro91=; no amino-acid change (proline 91 retained).
Molecular consequence: synonymous variant. On other transcripts: intron variant (1).
Genome position (GRCh38, 1-based): chr13:60,112,127, G>A on the plus strand (C>T on the coding strand, the complement: DIAPH3 is on the minus strand). VCF-style: chr13-60112127-G-A. GRCh37 (hg19) VCF-style: chr13-60686261-G-A.
Other names: c.240C>T, p.Pro80= (NM_001258366.2, NM_001258367.2); c.273C>T, p.Pro91= (NM_001258369.2); c.181-18395C>T (NM_001258368.2).
Identifiers: ClinVar variation 1213102 (VCV001213102.12), dbSNP rs769768786, ClinGen allele CA6997042.

ClinVar aggregate classification (germline): Likely benign. Review status: criteria provided, multiple submitters, no conflicts (2 of 4 stars). 3 submissions from 3 submitters: Likely benign (2). 1 of the submissions does not count toward it. Last evaluated 2025-12-16.

Conditions:
DIAPH3-related disorder. Also called: DIAPH3-related condition.

Allele frequency attached by ClinVar (database versions not stated): gnomAD exomes 0.00005 and 0.00019; ExAC 0.00006.
gnomAD v4.1: 132 of 1,614,022 alleles (0.0082%); highest among the groups gnomAD compares: Admixed American, 0.17%; no homozygotes.

Submissions (3):

Labcorp Genetics (formerly Invitae), Labcorp
Classification: Likely benign. Last evaluated: 2025-12-16. Review status: criteria provided, single submitter. Criteria: Invitae Variant Classification Sherloc (09022015). Collection method: clinical testing. Allele origin: germline.

GeneDx
Classification: Likely benign. Last evaluated: 2018-12-19. Review status: criteria provided, single submitter. Criteria: GeneDx Variant Classification Process June 2021. Collection method: clinical testing. Allele origin: germline. Affected: yes.

PreventionGenetics, part of Exact Sciences
Classification: Likely benign for DIAPH3-related condition. Last evaluated: 2019-03-29. Review status: no assertion criteria provided. Collection method: clinical testing. Allele origin: germline. Not counted in ClinVar's aggregate classification.
Comment: This variant is classified as likely benign based on ACMG/AMP sequence variant interpretation guidelines (Richards et al. 2015 PMID: 25741868, with internal and published modifications).